The following is an entry in ClinVar:

NM_001365951.3(KIF1B):c.1397C>G (p.Ser466Cys)

Gene: KIF1B (kinesin family member 1B; plus strand). Cytogenetic location: 1p36.22.
Variant type: single nucleotide variant.
Coding change: c.1397C>G on transcript NM_001365951.3 (MANE Select); coding-DNA position 1397, C replaced by G.
Protein change: p.Ser466Cys; replaces serine 466 with cysteine.
Molecular consequence: missense variant.
Genome position (GRCh38, 1-based): chr1:10,282,496, C>G. VCF-style: chr1-10282496-C-G. GRCh37 (hg19) VCF-style: chr1-10342554-C-G.
Other names: c.1397C>G, p.Ser466Cys (NM_001365952.1); c.1259C>G, p.Ser420Cys (NM_001365953.1, NM_015074.3, NM_183416.4); short protein forms S420C, S466C.
Identifiers: ClinVar variation 4043047 (VCV004043047.1).

ClinVar aggregate classification (germline): Uncertain significance (1 of 4 stars; one submission).

Submission:

Ambry Genetics
Classification: Uncertain significance. Last evaluated: 2025-06-06. Review status: criteria provided, single submitter. Criteria: Ambry Variant Classification Scheme 2023. Collection method: clinical testing. Allele origin: germline.
Comment: The p.S420C variant (also known as c.1259C>G), located in coding exon 12 of the KIF1B gene, results from a C to G substitution at nucleotide position 1259. The serine at codon 420 is replaced by cysteine, an amino acid with dissimilar properties. This amino acid position is conserved. In addition, the in silico prediction for this alteration is inconclusive. Based on the available evidence, the clinical significance of this variant remains unclear.